The following is an entry in ClinVar:

NM_006277.3(ITSN2):c.642A>C (p.Leu214Phe)

Gene: ITSN2 (intersectin 2; minus strand). Cytogenetic location: 2p23.3.
Variant type: single nucleotide variant.
Coding change: c.642A>C on transcript NM_006277.3 (MANE Select); coding-DNA position 642, A replaced by C.
Protein change: p.Leu214Phe; replaces leucine 214 with phenylalanine.
Molecular consequence: missense variant.
Genome position (GRCh38, 1-based): chr2:24,310,295, T>G on the plus strand (A>C on the coding strand, the complement: ITSN2 is on the minus strand). VCF-style: chr2-24310295-T-G. GRCh37 (hg19) VCF-style: chr2-24533164-T-G.
Other names: c.642A>C (NM_006277.2); c.600A>C, p.Leu200Phe (NM_001348181.2, NM_001348184.2); c.642A>C, p.Leu214Phe (NM_001348182.2, NM_001348183.2, NM_001348185.2 and 3 more transcripts); short protein forms L214F, L200F.
Identifiers: ClinVar variation 3632114 (VCV003632114.3).

ClinVar aggregate classification (germline): Uncertain significance. Review status: criteria provided, multiple submitters, no conflicts (2 of 4 stars). 2 submissions from 2 submitters: Uncertain significance (2). Last evaluated 2025-07-30.

gnomAD v4.1: 59 of 1,611,410 alleles (0.0037%); highest among the groups gnomAD compares: African/African-American, 0.071%; no homozygotes.

Submissions (2):

Labcorp Genetics (formerly Invitae), Labcorp
Classification: Uncertain significance. Last evaluated: 2025-07-30. Review status: criteria provided, single submitter. Criteria: Invitae Variant Classification Sherloc (09022015). Collection method: clinical testing. Allele origin: germline.
Comment: This sequence change replaces leucine, which is neutral and non-polar, with phenylalanine, which is neutral and non-polar, at codon 214 of the ITSN2 protein (p.Leu214Phe). This variant is present in population databases (rs560892975, gnomAD 0.07%), and has an allele count higher than expected for a pathogenic variant. This variant has not been reported in the literature in individuals affected with ITSN2-related conditions. ClinVar contains an entry for this variant (Variation ID: 3632114). An algorithm developed to predict the effect of missense changes on protein structure and function (PolyPhen-2) suggests that this variant is likely to be disruptive. In summary, the available evidence is currently insufficient to determine the role of this variant in disease. Therefore, it has been classified as a Variant of Uncertain Significance.

Ambry Genetics
Classification: Uncertain significance. Last evaluated: 2025-01-09. Review status: criteria provided, single submitter. Criteria: Ambry Variant Classification Scheme 2023. Collection method: clinical testing. Allele origin: germline.